The following is an entry in ClinVar:

ClinVar aggregate classification (germline): Uncertain significance (1 of 4 stars; one submission).

Allele frequency attached by ClinVar (database versions not stated): TOPMed below 0.00001; gnomAD 0.00001; gnomAD exomes 0.00002; ExAC 0.00006.
gnomAD v4.1: 28 of 1,601,296 alleles (0.0017%); highest among the groups gnomAD compares: South Asian, 0.03%; 2 homozygotes.

Submission:

Labcorp Genetics (formerly Invitae), Labcorp
Classification: Uncertain significance. Last evaluated: 2023-05-13. Review status: criteria provided, single submitter. Criteria: Invitae Variant Classification Sherloc (09022015). Collection method: clinical testing. Allele origin: germline.
Comment: In summary, the available evidence is currently insufficient to determine the role of this variant in disease. Therefore, it has been classified as a Variant of Uncertain Significance. Advanced modeling of protein sequence and biophysical properties (such as structural, functional, and spatial information, amino acid conservation, physicochemical variation, residue mobility, and thermodynamic stability) performed at Invitae indicates that this missense variant is not expected to disrupt CASQ1 protein function. ClinVar contains an entry for this variant (Variation ID: 1948757). This variant has not been reported in the literature in individuals affected with CASQ1-related conditions. This variant is present in population databases (rs759544619, gnomAD 0.05%), and has an allele count higher than expected for a pathogenic variant. This sequence change replaces serine, which is neutral and polar, with threonine, which is neutral and polar, at codon 191 of the CASQ1 protein (p.Ser191Thr).

NM_001231.5(CASQ1):c.571T>A (p.Ser191Thr)

Gene: CASQ1 (calsequestrin 1; plus strand). Cytogenetic location: 1q23.2.
Variant type: single nucleotide variant.
Coding change: c.571T>A on transcript NM_001231.5 (MANE Select); coding-DNA position 571, T replaced by A.
Protein change: p.Ser191Thr; replaces serine 191 with threonine.
Molecular consequence: missense variant.
Genome position (GRCh38, 1-based): chr1:160,195,117, T>A. VCF-style: chr1-160195117-T-A. GRCh37 (hg19) VCF-style: chr1-160164907-T-A.
Other names: short protein forms S191T.
Identifiers: ClinVar variation 1948757 (VCV001948757.5), dbSNP rs759544619, ClinGen allele CA1196231.